The following is an entry in ClinVar:

ClinVar aggregate classification (germline): Likely pathogenic (1 of 4 stars; one submission).

Conditions:
Hereditary factor VIII deficiency disease (HEMA). Also called: HEMOPHILIA, CLASSIC; AUTOSOMAL HEMOPHILIA A; Hemophilia A; Hemophilia A, congenital; HEM A; Factor 8 deficiency, congenital. Identifiers: Orphanet 98878, MedGen C0019069, MONDO:0010602, OMIM 306700.

Submission:

3billion
Classification: Likely pathogenic for Hereditary factor VIII deficiency disease. Last evaluated: 2023-11-10. Review status: criteria provided, single submitter. Criteria: ACMG Guidelines, 2015. Collection method: clinical testing. Allele origin: germline. Affected: yes.
Comment: The variant is not observed in the gnomAD v2.1.1 dataset. Predicted Consequence/Location: Stop-gained (nonsense): predicted to result in a loss or disruption of normal protein function through nonsense-mediated decay (NMD) or protein truncation. Multiple pathogenic variants are reported downstream of the variant. In silico tools predict the variant to alter splicing and produce an abnormal transcript [Splice AI: 0.22 (spliceogenicity >=0.2, non-spliceogenicity <0.1)]. Therefore, this variant is classified as Likely pathogenic according to the recommendation of ACMG/AMP guideline.

NM_000132.4(F8):c.625C>T (p.Gln209Ter)

Gene: F8 (coagulation factor VIII; minus strand). Cytogenetic location: Xq28.
Variant type: single nucleotide variant.
Coding change: c.625C>T on transcript NM_000132.4 (MANE Select); coding-DNA position 625, C replaced by T.
Protein change: p.Gln209Ter; replaces glutamine 209 with a stop codon.
Molecular consequence: nonsense.
Genome position (GRCh38, 1-based): chrX:154,987,282, G>A on the plus strand (C>T on the coding strand, the complement: F8 is on the minus strand). VCF-style: chrX-154987282-G-A. GRCh37 (hg19) VCF-style: chrX-154215557-G-A.
Other names: short protein forms Q209*.
Identifiers: ClinVar variation 3775975 (VCV003775975.1).